The following is an entry in ClinVar:

NM_001387263.1(PATL2):c.784C>T (p.Arg262Ter)

Gene: PATL2 (PAT1 homolog 2; minus strand). Cytogenetic location: 15q21.1.
Variant type: single nucleotide variant.
Coding change: c.784C>T on transcript NM_001387263.1 (MANE Select); coding-DNA position 784, C replaced by T.
Protein change: p.Arg262Ter; replaces arginine 262 with a stop codon.
Molecular consequence: nonsense.
Genome position (GRCh38, 1-based): chr15:44,669,869, G>A on the plus strand (C>T on the coding strand, the complement: PATL2 is on the minus strand). VCF-style: chr15-44669869-G-A. GRCh37 (hg19) VCF-style: chr15-44962067-G-A.
Other names: NM_001145112.1:c.784C>T(p.Arg262Ter); c.784C>T, p.Arg262Ter (NM_001145112.2, NM_001387261.1, NM_001387262.1); c.217C>T, p.Arg73Ter (NM_001330283.2); c.691C>T, p.Arg231Ter (NM_001387260.1, NM_001387264.1); short protein forms R262*, R73*, R231*.
Identifiers: ClinVar variation 444047 (VCV000444047.2), dbSNP rs1351320025, ClinGen allele CA392224097.

ClinVar aggregate classification (germline): Likely pathogenic. Review status: criteria provided, single submitter (1 of 4 stars). 2 submissions from 2 submitters: Likely pathogenic (1). 1 of the submissions does not count toward it. Last evaluated 2018-04-16.

Conditions:
Oocyte maturation defect 4. Also called: OOCYTE/ZYGOTE/EMBRYO MATURATION ARREST 4. Identifiers: MedGen C4540284, MONDO:0021575, OMIM 617743.

Allele frequency attached by ClinVar (database versions not stated): TOPMed 0.00001.

Submissions (2):

SIB Swiss Institute of Bioinformatics
Classification: Likely pathogenic for Oocyte maturation defect 4. Last evaluated: 2018-04-16. Review status: criteria provided, single submitter. Criteria: ACMG Guidelines, 2015. Collection method: curation. Allele origin: germline.
Comment: This variant is interpreted as a Likely Pathogenic, for Oocyte maturation defect 4, Autosomal Recessive inheritance. The following ACMG Tag(s) were applied: PM2 => Absent from controls (or at extremely low frequency if recessive) in Exome Sequencing Project, 1000 Genomes Project, or Exome Aggregation Consortium. PVS1-Strong => PVS1 downgraded in strength to Strong.

OMIM
Classification: Pathogenic for OOCYTE/ZYGOTE/EMBRYO MATURATION ARREST 4. Last evaluated: 2023-04-10. Review status: no assertion criteria provided. Collection method: literature only. Allele origin: germline. Not counted in ClinVar's aggregate classification.

Literature cited by the submitters: PubMed 28965849 (cited by SIB Swiss Institute of Bioinformatics and OMIM).